The following is an entry in ClinVar:

NM_016955.4(SEPSECS):c.435del (p.Gly145_Met146insTer)

Gene: SEPSECS (Sep (O-phosphoserine) tRNA:Sec (selenocysteine) tRNA synthase; minus strand). Cytogenetic location: 4p15.2.
Variant type: Deletion.
Coding change: c.435del on transcript NM_016955.4 (MANE Select); coding-DNA position 435, one base deleted (T; older notation c.435delT).
Protein change: p.Gly145_Met146insTer.
Molecular consequence: frameshift variant. On other transcripts: nonsense (1).
Genome position (GRCh38, 1-based): chr4:25,156,149, A deleted on the plus strand (T on the coding strand, the reverse complement: SEPSECS is on the minus strand). VCF-style (leftmost placement, unchanged base first): chr4-25156148-TA-T. GRCh37 (hg19) VCF-style: chr4-25157770-TA-T.
Other names: c.690del, p.Gly230_Met231insTer (NM_001410714.1); c.435delT, p.Met146Terfs (NM_153825.2).
Identifiers: ClinVar variation 2795923 (VCV002795923.3), dbSNP rs1560336134, ClinGen allele CA550289649.

ClinVar aggregate classification (germline): Pathogenic (1 of 4 stars; one submission).

Allele frequency attached by ClinVar (database versions not stated): gnomAD exomes below 0.00001; gnomAD 0.00001.

Submission:

Labcorp Genetics (formerly Invitae), Labcorp
Classification: Pathogenic. Last evaluated: 2023-07-13. Review status: criteria provided, single submitter. Criteria: Invitae Variant Classification Sherloc (09022015). Collection method: clinical testing. Allele origin: germline.
Comment: This sequence change creates a premature translational stop signal (p.Met146*) in the SEPSECS gene. It is expected to result in an absent or disrupted protein product. Loss-of-function variants in SEPSECS are known to be pathogenic (PMID: 25558065, 25590979, 26115735). This variant is present in population databases (no rsID available, gnomAD 0.002%). This variant has not been reported in the literature in individuals affected with SEPSECS-related conditions. For these reasons, this variant has been classified as Pathogenic.

Literature cited by the submitters: PubMed 25558065; PubMed 25590979; PubMed 26115735.